The following is an entry in ClinVar:

ClinVar aggregate classification (germline): Uncertain significance (1 of 4 stars; one submission).

Conditions:
Creatine transporter deficiency (CCDS1). Also called: CEREBRAL CREATINE DEFICIENCY SYNDROME 1; Creatine Transporter (CRTR) Deficiency; Mental retardation , X-linked with seizures, short stature and midface hypoplasia; Mental retardation , X-linked, with creatine transport deficiency; X-linked creatine transporter deficiency; X-linked creatine deficiency syndrome. Identifiers: Orphanet 52503, MedGen C1845862, MONDO:0010305, OMIM 300352.

Submission:

Labcorp Genetics (formerly Invitae), Labcorp
Classification: Uncertain significance for Creatine transporter deficiency. Last evaluated: 2022-09-25. Review status: criteria provided, single submitter. Criteria: Invitae Variant Classification Sherloc (09022015). Collection method: clinical testing. Allele origin: germline.
Comment: This sequence change affects codon 492 of the SLC6A8 mRNA. It is a 'silent' change, meaning that it does not change the encoded amino acid sequence of the SLC6A8 protein. This variant is not present in population databases (gnomAD no frequency). This variant has not been reported in the literature in individuals affected with SLC6A8-related conditions. Algorithms developed to predict the effect of sequence changes on RNA splicing suggest that this variant may create or strengthen a splice site. In summary, the available evidence is currently insufficient to determine the role of this variant in disease. Therefore, it has been classified as a Variant of Uncertain Significance.

NM_005629.4(SLC6A8):c.1476G>A (p.Val492=)

Gene: SLC6A8 (solute carrier family 6 member 8; plus strand). Cytogenetic location: Xq28.
Variant type: single nucleotide variant.
Coding change: c.1476G>A on transcript NM_005629.4 (MANE Select); coding-DNA position 1476, G replaced by A.
Protein change: p.Val492=; no amino-acid change (valine 492 retained).
Molecular consequence: synonymous variant.
Genome position (GRCh38, 1-based): chrX:153,694,427, G>A. VCF-style: chrX-153694427-G-A. GRCh37 (hg19) VCF-style: chrX-152959882-G-A.
Other names: c.1446G>A, p.Val482= (NM_001142805.2); c.1131G>A, p.Val377= (NM_001142806.1).
Identifiers: ClinVar variation 2032602 (VCV002032602.4), dbSNP rs2148364269, ClinGen allele CA519345096.